The following is an entry in ClinVar:

NM_001374385.1(ATP8B1):c.1368G>A (p.Thr456=)

Gene: ATP8B1 (ATPase phospholipid transporting 8B1; minus strand). Cytogenetic location: 18q21.31.
Variant type: single nucleotide variant.
Coding change: c.1368G>A on transcript NM_001374385.1 (MANE Select); coding-DNA position 1368, G replaced by A.
Protein change: p.Thr456=; no amino-acid change (threonine 456 retained).
Molecular consequence: synonymous variant.
Genome position (GRCh38, 1-based): chr18:57,688,360, C>T on the plus strand (G>A on the coding strand, the complement: ATP8B1 is on the minus strand). VCF-style: chr18-57688360-C-T. GRCh37 (hg19) VCF-style: chr18-55355592-C-T.
Other names: c.1368G>A (NM_005603.4); c.1218G>A, p.Thr406= (NM_001374386.1); c.1368G>A, p.Thr456= (NM_005603.6).
Identifiers: ClinVar variation 2992540 (VCV002992540.5), dbSNP rs767910530, ClinGen allele CA8974598.

ClinVar aggregate classification (germline): Likely benign. Review status: criteria provided, single submitter (1 of 4 stars). 2 submissions from 2 submitters: Likely benign (1). 1 of the submissions does not count toward it. Last evaluated 2023-08-14.

Conditions:
ATP8B1-related disorder. Also called: ATP8B1-related disorders; ATP8B1-related condition.

Allele frequency attached by ClinVar (database versions not stated): gnomAD 0.00001; gnomAD exomes 0.00001; ExAC 0.00002; TOPMed 0.00002.
gnomAD v4.1: 15 of 1,613,978 alleles (0.00093%); highest among the groups gnomAD compares: Admixed American, 0.0017%; no homozygotes.

Submissions (2):

Labcorp Genetics (formerly Invitae), Labcorp
Classification: Likely benign. Last evaluated: 2023-08-14. Review status: criteria provided, single submitter. Criteria: Invitae Variant Classification Sherloc (09022015). Collection method: clinical testing. Allele origin: germline.

PreventionGenetics, part of Exact Sciences
Classification: Likely benign for ATP8B1-related condition. Last evaluated: 2019-04-11. Review status: no assertion criteria provided. Collection method: clinical testing. Allele origin: germline. Not counted in ClinVar's aggregate classification.
Comment: This variant is classified as likely benign based on ACMG/AMP sequence variant interpretation guidelines (Richards et al. 2015 PMID: 25741868, with internal and published modifications).